The following is an entry in ClinVar:

ClinVar aggregate classification (germline): Likely benign. Review status: criteria provided, multiple submitters, no conflicts (2 of 4 stars). 2 submissions from 2 submitters: Likely benign (2). Last evaluated 2024-09-19.

Conditions:
Hereditary diffuse gastric adenocarcinoma (HDGC). Also called: DIFFUSE GASTRIC AND LOBULAR BREAST CANCER SYNDROME. Identifiers: Orphanet 26106, MedGen C1708349, MONDO:0007648, OMIM 137215.

Submissions (2):

Myriad Genetics, Inc.
Classification: Likely benign for Hereditary diffuse gastric adenocarcinoma. Last evaluated: 2024-09-19. Review status: criteria provided, single submitter. Criteria: Myriad Autosomal Dominant, Autosomal Recessive and X-Linked Classification Criteria (2023). Collection method: clinical testing. Allele origin: unknown.
Comment: This variant is considered likely benign. This variant is intronic and is not expected to impact mRNA splicing.

Labcorp Genetics (formerly Invitae), Labcorp
Classification: Likely benign for Hereditary diffuse gastric adenocarcinoma. Last evaluated: 2024-05-13. Review status: criteria provided, single submitter. Criteria: Invitae Variant Classification Sherloc (09022015). Collection method: clinical testing. Allele origin: germline.

NM_004360.5(CDH1):c.1566-17A>C

Gene: CDH1 (cadherin 1; plus strand). Cytogenetic location: 16q22.1.
Variant type: single nucleotide variant.
Coding change: c.1566-17A>C on transcript NM_004360.5 (MANE Select); 17 bases into the intron before coding-DNA position 1566, A replaced by C.
Molecular consequence: intron variant.
Genome position (GRCh38, 1-based): chr16:68,819,263, A>C. VCF-style: chr16-68819263-A-C. GRCh37 (hg19) VCF-style: chr16-68853166-A-C.
Other names: c.18-17A>C (NM_001317185.2); c.-254-2738A>C (NM_001317186.2); c.1383-17A>C (NM_001317184.2).
Identifiers: ClinVar variation 2123959 (VCV002123959.5), dbSNP rs1555516507, ClinGen allele CA2580092003.